The following is an entry in ClinVar:

ClinVar aggregate classification (germline): Uncertain significance (1 of 4 stars; one submission).

Submission:

Labcorp Genetics (formerly Invitae), Labcorp
Classification: Uncertain significance. Last evaluated: 2021-08-08. Review status: criteria provided, single submitter. Criteria: Invitae Variant Classification Sherloc (09022015). Collection method: clinical testing. Allele origin: germline.
Comment: In summary, the available evidence is currently insufficient to determine the role of this variant in disease. Therefore, it has been classified as a Variant of Uncertain Significance. Algorithms developed to predict the effect of missense changes on protein structure and function (SIFT, PolyPhen-2, Align-GVGD) all suggest that this variant is likely to be disruptive. This variant has not been reported in the literature in individuals affected with NEUROD1-related conditions. This variant is not present in population databases (ExAC no frequency). This sequence change replaces leucine with arginine at codon 277 of the NEUROD1 protein (p.Leu277Arg). The leucine residue is highly conserved and there is a moderate physicochemical difference between leucine and arginine.

NM_002500.5(NEUROD1):c.830T>G (p.Leu277Arg)

Gene: NEUROD1 (neuronal differentiation 1; minus strand). Cytogenetic location: 2q31.3.
Variant type: single nucleotide variant.
Coding change: c.830T>G on transcript NM_002500.5 (MANE Select); coding-DNA position 830, T replaced by G.
Protein change: p.Leu277Arg; replaces leucine 277 with arginine.
Molecular consequence: missense variant.
Genome position (GRCh38, 1-based): chr2:181,678,031, A>C on the plus strand (T>G on the coding strand, the complement: NEUROD1 is on the minus strand). VCF-style: chr2-181678031-A-C. GRCh37 (hg19) VCF-style: chr2-182542758-A-C.
Other names: short protein forms L277R.
Identifiers: ClinVar variation 1481644 (VCV001481644.6), dbSNP rs1559135114, ClinGen allele CA349782887.
Genomic context (GRCh38, chr2:181,678,031, plus strand): 5'-TAATTTTTCTCAAACTCGGCGGACGGTTCGTGTTTGAAAGAGAAGTTGCCATTGATGCTG[A>C]GCGGCGGGCTGAGGGGTCCATCAAAGGAAGGGCTGGTGCAATCAGTCAGAGGGCTTTCAA-3'
Protein context (NP_002491.3, residues 267-287): PSFDGPLSPP[Leu277Arg]SINGNFSFKH